The following is an entry in ClinVar:

NM_153700.2(STRC):c.4425G>C (p.Trp1475Cys)

Gene: STRC (stereocilin; minus strand). Cytogenetic location: 15q15.3.
Variant type: single nucleotide variant.
Coding change: c.4425G>C on transcript NM_153700.2 (MANE Select); coding-DNA position 4425, G replaced by C.
Protein change: p.Trp1475Cys; replaces tryptophan 1475 with cysteine.
Molecular consequence: missense variant.
Genome position (GRCh38, 1-based): chr15:43,603,362, C>G on the plus strand (G>C on the coding strand, the complement: STRC is on the minus strand). VCF-style: chr15-43603362-C-G. GRCh37 (hg19) VCF-style: chr15-43895560-C-G.
Other names: short protein forms W1475C.
Identifiers: ClinVar variation 165308 (VCV000165308.11), dbSNP rs727503443, ClinGen allele CA178047.
Genomic context (GRCh38, chr15:43,603,362, plus strand): 5'-AAATAATGTCAGGCAGTCCTCAAAGTCTGAGAGCTCCATCTCTGCAATCTGGGTTGCAGA[C>G]CAGGCTGCTGGGAATGTCCCTCGTACATCTGCACAATTTGGCACAGGTTCTGAAGGGGGA-3'
Protein context (NP_714544.1, residues 1465-1485): ADVRGTFPAA[Trp1475Cys]SATQIAEMEL

ClinVar aggregate classification (germline): Conflicting classifications of pathogenicity. Review status: criteria provided, conflicting classifications (1 of 4 stars). 6 submissions from 6 submitters: Pathogenic (2); Likely pathogenic (3); Uncertain significance (1). Last evaluated 2026-07-13.

Conditions:
Rare genetic deafness. Identifiers: Orphanet 96210, MedGen C5680250.
STRC-related disorder. Also called: STRC-related condition.
Autosomal recessive nonsyndromic hearing loss 16. Also called: DFNB16 Nonsyndromic Hearing Loss and Deafness; DEAFNESS, AUTOSOMAL RECESSIVE 16. Identifiers: Orphanet 90636, MedGen C1863561, MONDO:0011364, OMIM 603720.

Allele frequency attached by ClinVar (database versions not stated): ExAC 0.00001; gnomAD 0.00001; TOPMed 0.00001; gnomAD exomes 0.00002.
gnomAD v4.1: 30 of 1,613,668 alleles (0.0019%); highest among the groups gnomAD compares: Non-Finnish European, 0.0024%; no homozygotes.

Submissions (6):

PreventionGenetics, part of Exact Sciences
Classification: Uncertain significance for STRC-related condition. Last evaluated: 2026-07-13. Review status: criteria provided, single submitter. Criteria: ACMG Guidelines, 2015. Collection method: clinical testing. Allele origin: germline.
Comment: The STRC c.4425G>C variant is predicted to result in the amino acid substitution p.Trp1475Cys. This variant was reported in the compound heterozygous state with a STRC full gene deletion in a patient with moderate prelingual sensorineural hearing loss (Van Heurck et al. 2021. PubMed ID: 34440452). This variant has been reported in ClinVar as likely pathogenic by two other laboratories after being observed in three patients with hearing loss in trans with a large deletion (Variation ID: 165308). However, this variant represents a known variant in the STRCP1 pseudogene and no details were included in these reports to indicate that care was taken to exclude pseudogene contamination in the assays used. While we suspect this variant may be pathogenic, at this time, the clinical significance of this variant is uncertain due to the absence of conclusive functional and genetic evidence.

Blueprint Genetics
Classification: Pathogenic for STRC-related disorders. Last evaluated: 2024-02-09. Review status: criteria provided, single submitter. Criteria: ACMG Guidelines, 2015. Collection method: clinical testing. Allele origin: germline. Affected: yes. Observed: 5 variant alleles.

Mayo Clinic Laboratories, Mayo Clinic
Classification: Pathogenic. Last evaluated: 2022-07-25. Review status: criteria provided, single submitter. Criteria: ACMG Guidelines, 2015. Collection method: clinical testing. Allele origin: germline. Observed: 3 variant alleles.

Center of Genomic medicine, Geneva, University Hospital of Geneva
Classification: Likely pathogenic for Autosomal recessive nonsyndromic hearing loss 16. Last evaluated: 2018-06-04. Review status: criteria provided, single submitter. Criteria: ACMG Guidelines, 2015. Collection method: clinical testing. Allele origin: paternal. Affected: yes. Observed: 2 variant alleles.

Laboratory for Molecular Medicine, Mass General Brigham Personalized Medicine
Classification: Likely pathogenic for Rare genetic deafness. Last evaluated: 2015-05-17. Review status: criteria provided, single submitter. Criteria: LMM Criteria. Collection method: clinical testing. Allele origin: germline. Inheritance: Autosomal recessive inheritance. Observed: 4 variant alleles.
Comment: The p.Trp1475Cys variant in STRC has been previously reported in two individuals with hearing loss who were compound heterozygous with the deletion encompassing STRC and CATSPER2 on the remaining allele (LMM unpublished data). This variant has been identified in 1/66698 European chromosomes by the Exome Aggregation Con sortium (ExAC); however, this frequency is low e nough to be consistent with a recessive carrier frequency. Computational predict ion tools and conservation analyses do not provide strong support for or against an impact to the protein. However, the presence of this variant in trans with a reported pathogenic variant in three probands with hearing loss, increases the likelihood that the p.Trp1475Cys variant is pathogenic. In summary, although add itional studies are required to fully establish its clinical significance, this variant is likely pathogenic for autosomal recessive hearing loss.

Genome-Nilou Lab
Classification: Likely pathogenic for Autosomal recessive nonsyndromic hearing loss 16. Review status: criteria provided, single submitter. Criteria: ACMG Guidelines, 2015. Collection method: clinical testing. Allele origin: germline.